The following is an entry in ClinVar:

NM_006846.4(SPINK5):c.389_392dup (p.Leu132fs)

Gene: SPINK5 (serine peptidase inhibitor Kazal type 5; plus strand). Cytogenetic location: 5q32.
Variant type: Duplication.
Coding change: c.389_392dup on transcript NM_006846.4 (MANE Select); coding-DNA positions 389 to 392, 4 bases duplicated (GTGC; older notation c.389_392dupGTGC).
Protein change: p.Leu132fs; shifts the reading frame from leucine 132.
Molecular consequence: frameshift variant.
Genome position (GRCh38, 1-based): chr5:148,086,511-148,086,514, GTGC duplicated. VCF-style (leftmost placement, unchanged base first): chr5-148086510-T-TGTGC. GRCh37 (hg19) VCF-style: chr5-147466073-T-TGTGC.
Other names: c.392_393insGTGC (NM_006846.3); c.389_392dup, p.Leu132fs (NM_001127698.2, NM_001127699.2); c.389_392dupGTGC (NM_006846.3, NM_001127698.2); short protein forms L132fs.
Identifiers: ClinVar variation 418503 (VCV000418503.12), dbSNP rs756874525, ClinGen allele CA3495187.

ClinVar aggregate classification (germline): Pathogenic. Review status: criteria provided, multiple submitters, no conflicts (2 of 4 stars). 4 submissions from 4 submitters: Pathogenic (4). Last evaluated 2025-03-28.

Conditions:
Netherton syndrome (NETH). Also called: ERYTHRODERMA, ICHTHYOSIFORM, WITH HYPOTRICHOSIS AND HYPER-IgE; COMEL-NETHERTON SYNDROME; NETHERTON DISEASE. Identifiers: Orphanet 634, MedGen C5574950, MONDO:0009735, OMIM 256500.
Ichthyosis linearis circumflexa. Identifiers: MedGen C0265962, MONDO:0043106, HP:0025810.

Allele frequency attached by ClinVar (database versions not stated): ExAC 0.00001; gnomAD exomes 0.00001 and 0.00002; gnomAD 0.00003 and 0.00004; TOPMed 0.00007.

Submissions (4):

Women's Health and Genetics/Laboratory Corporation of America, LabCorp
Classification: Pathogenic for Ichthyosis linearis circumflexa. Last evaluated: 2025-03-28. Review status: criteria provided, single submitter. Criteria: LabCorp Variant Classification Summary - May 2015. Collection method: clinical testing. Allele origin: germline.
Comment: Variant summary: SPINK5 c.389_392dupGTGC (p.Leu132CysfsX5) results in a premature termination codon, predicted to cause a truncation of the encoded protein or absence of the protein due to nonsense mediated decay, which are commonly known mechanisms for disease. The variant allele was found at a frequency of 1.6e-05 in 248614 control chromosomes. c.389_392dupGTGC has been reported in the literature in at-least one homozygous individual affected with Netherton syndrome (example: Sprecher_2001). These data indicate that the variant is associated with disease. To our knowledge, no experimental evidence demonstrating an impact on protein function has been reported. The following publication has been ascertained in the context of this evaluation (PMID: 11511292). ClinVar contains an entry for this variant (Variation ID: 418503). Based on the evidence outlined above, the variant was classified as pathogenic.

Fulgent Genetics
Classification: Pathogenic for Netherton syndrome. Last evaluated: 2024-03-07. Review status: criteria provided, single submitter. Criteria: ACMG Guidelines, 2015. Collection method: clinical testing. Allele origin: germline.

GeneDx
Classification: Pathogenic. Last evaluated: 2023-11-16. Review status: criteria provided, single submitter. Criteria: GeneDx Variant Classification Process June 2021. Collection method: clinical testing. Allele origin: germline. Affected: yes.
Comment: Frameshift variant predicted to result in protein truncation or nonsense mediated decay in a gene for which loss of function is a known mechanism of disease; This variant is associated with the following publications: (PMID: 33534181, 11511292, 15942217)

Labcorp Genetics (formerly Invitae), Labcorp
Classification: Pathogenic for Ichthyosis linearis circumflexa. Last evaluated: 2023-09-19. Review status: criteria provided, single submitter. Criteria: Invitae Variant Classification Sherloc (09022015). Collection method: clinical testing. Allele origin: germline.
Comment: This sequence change creates a premature translational stop signal (p.Leu132Cysfs*5) in the SPINK5 gene. It is expected to result in an absent or disrupted protein product. Loss-of-function variants in SPINK5 are known to be pathogenic (PMID: 11511292, 11841556). This variant is present in population databases (rs756874525, gnomAD 0.02%). This premature translational stop signal has been observed in individual(s) with Netherton syndrome (PMID: 11511292). This variant is also known as 391insCGTG. ClinVar contains an entry for this variant (Variation ID: 418503). For these reasons, this variant has been classified as Pathogenic.

Literature cited by the submitters: PubMed 11511292 (cited by Women's Health and Genetics/Laboratory Corporation of America, LabCorp and Labcorp Genetics (formerly Invitae), Labcorp); PubMed 11841556 (cited by Labcorp Genetics (formerly Invitae), Labcorp).